The following is an entry in ClinVar:

NM_015178.3(RHOBTB2):c.507G>C (p.Leu169=)

Gene: RHOBTB2 (Rho related BTB domain containing 2; plus strand). Cytogenetic location: 8p21.3.
Variant type: single nucleotide variant.
Coding change: c.507G>C on transcript NM_015178.3 (MANE Select); coding-DNA position 507, G replaced by C.
Protein change: p.Leu169=; no amino-acid change (leucine 169 retained).
Molecular consequence: synonymous variant.
Genome position (GRCh38, 1-based): chr8:23,006,752, G>C. VCF-style: chr8-23006752-G-C. GRCh37 (hg19) VCF-style: chr8-22864265-G-C.
Other names: c.573G>C, p.Leu191= (NM_001160036.2); c.528G>C, p.Leu176= (NM_001160037.2); c.507G>C, p.Leu169= (NM_001374791.1).
Identifiers: ClinVar variation 2782177 (VCV002782177.3), dbSNP rs574857781, ClinGen allele CA4672471.

ClinVar aggregate classification (germline): Uncertain significance (1 of 4 stars; one submission).

Allele frequency attached by ClinVar (database versions not stated): gnomAD exomes below 0.00001; ExAC 0.00001; gnomAD 0.00001; 1000 Genomes Project 0.00020; 1000 Genomes Project 30x 0.00031.
gnomAD v4.1: 2 of 1,612,694 alleles (0.00012%); highest among the groups gnomAD compares: African/African-American, 0.0027%; no homozygotes.

Submission:

Labcorp Genetics (formerly Invitae), Labcorp
Classification: Uncertain significance. Last evaluated: 2023-08-10. Review status: criteria provided, single submitter. Criteria: Invitae Variant Classification Sherloc (09022015). Collection method: clinical testing. Allele origin: germline.
Comment: In summary, the available evidence is currently insufficient to determine the role of this variant in disease. Therefore, it has been classified as a Variant of Uncertain Significance. Algorithms developed to predict the effect of sequence changes on RNA splicing suggest that this variant may create or strengthen a splice site. This variant has not been reported in the literature in individuals affected with RHOBTB2-related conditions. This variant is present in population databases (rs574857781, gnomAD 0.007%). This sequence change affects codon 191 of the RHOBTB2 mRNA. It is a 'silent' change, meaning that it does not change the encoded amino acid sequence of the RHOBTB2 protein.